The following is an entry in ClinVar:

NM_145239.3(PRRT2):c.323_324del (p.Thr108fs)

Genes: MVP-DT (MVP divergent transcript; minus strand), PRRT2 (proline rich transmembrane protein 2; plus strand). Cytogenetic location: 16p11.2.
Variant type: Deletion.
Coding change: c.323_324del on transcript NM_145239.3 (MANE Select); coding-DNA positions 323 to 324, 2 bases deleted (CA; older notation c.323_324delCA).
Protein change: p.Thr108fs; shifts the reading frame from threonine 108.
Molecular consequence: frameshift variant.
Genome position (GRCh38, 1-based): chr16:29,813,377-29,813,378, CA deleted; deleting any 2 consecutive bases within chr16:29,813,376-29,813,378 gives the same sequence; the c. name uses the placement nearest the transcript's 3' end. VCF-style (leftmost placement, unchanged base first): chr16-29813375-AAC-A. GRCh37 (hg19) VCF-style: chr16-29824696-AAC-A.
Other names: c.323_324del (NM_145239.2); c.323_324del, p.Thr108fs (NM_001256442.2, NM_001256443.2); short protein forms T108fs.
Identifiers: ClinVar variation 280022 (VCV000280022.52), dbSNP rs886041327, ClinGen allele CA10603384.

ClinVar aggregate classification (germline): Conflicting classifications of pathogenicity. Review status: criteria provided, conflicting classifications (1 of 4 stars). 5 submissions from 5 submitters: Pathogenic (4); Uncertain significance (1). Last evaluated 2026-01-19.

Conditions:
Episodic kinesigenic dyskinesia (EKD). Also called: Paroxysmal kinesigenic dyskinesia. Identifiers: Orphanet 98809, MedGen C1868682, MONDO:0044202.
Epilepsy. Also called: Seizure disorder. Identifiers: MedGen C0014544, MeSH D004827, MONDO:0005027.

Submissions (5):

Cytogénomique, Hospices Civils de Lyon
Classification: Pathogenic for Epilepsy. Last evaluated: 2026-01-19. Review status: criteria provided, single submitter. Criteria: ACMG Guidelines, 2015. Collection method: clinical testing. Allele origin: germline. Affected: yes.

Labcorp Genetics (formerly Invitae), Labcorp
Classification: Pathogenic for Episodic kinesigenic dyskinesia. Last evaluated: 2025-01-23. Review status: criteria provided, single submitter. Criteria: Invitae Variant Classification Sherloc (09022015). Collection method: clinical testing. Allele origin: germline.
Comment: This sequence change creates a premature translational stop signal (p.Thr108Serfs*25) in the PRRT2 gene. It is expected to result in an absent or disrupted protein product. Loss-of-function variants in PRRT2 are known to be pathogenic (PMID: 22623405, 22744660). This variant is not present in population databases (gnomAD no frequency). This premature translational stop signal has been observed in individual(s) with benign familial infantile epilepsy (PMID: 29215089). ClinVar contains an entry for this variant (Variation ID: 280022). For these reasons, this variant has been classified as Pathogenic.

Athena Diagnostics
Classification: Pathogenic. Last evaluated: 2019-12-23. Review status: criteria provided, single submitter. Criteria: Athena Diagnostics Criteria. Collection method: clinical testing. Allele origin: unknown.
Comment: The variant results in a shift of the reading frame, and is therefore predicted to result in the loss of a functional protein. Found in at least one patient with expected phenotype for this gene, and not found in general population data.

CeGaT Center for Human Genetics Tuebingen
Classification: Uncertain significance. Last evaluated: 2018-06-01. Review status: criteria provided, single submitter. Criteria: CeGaT Center For Human Genetics Tuebingen Variant Classification Criteria Version 2. Collection method: clinical testing. Allele origin: germline. Affected: yes. Observed: 1 variant allele.

GeneDx
Classification: Pathogenic. Last evaluated: 2015-12-29. Review status: criteria provided, single submitter. Criteria: GeneDx Variant Classification (06012015). Collection method: clinical testing. Allele origin: germline. Affected: yes.
Comment: The c.323_324delCA pathogenic variant in the PRRT2 gene has been reported previously in association with paroxysmal kinesigenic dyskinesia and benign familial infantile epilepsy (Yang et al., 2014; Seong et al., 2014). The deletion causes a frameshift starting with codon Threonine 108, changes this amino acid to a Serine residue and creates a premature Stop codon at position 25 of the new reading frame, denoted p.Thr108SerfsX25. This pathogenic variant is predicted to cause loss of normal protein function either through protein truncation or nonsense-mediated mRNA decay.

Literature cited by the submitters: PubMed 22623405 (cited by Labcorp Genetics (formerly Invitae), Labcorp); PubMed 22744660 (cited by Labcorp Genetics (formerly Invitae), Labcorp); PubMed 29215089 (cited by Labcorp Genetics (formerly Invitae), Labcorp and Athena Diagnostics).